The following is an entry in ClinVar:

NM_032043.3(BRIP1):c.2668A>G (p.Lys890Glu)

Gene: BRIP1 (BRCA1 interacting DNA helicase 1; minus strand). Cytogenetic location: 17q23.2.
Variant type: single nucleotide variant.
Coding change: c.2668A>G on transcript NM_032043.3 (MANE Select); coding-DNA position 2668, A replaced by G.
Protein change: p.Lys890Glu; replaces lysine 890 with glutamic acid.
Molecular consequence: missense variant.
Genome position (GRCh38, 1-based): chr17:61,686,073, T>C on the plus strand (A>G on the coding strand, the complement: BRIP1 is on the minus strand). VCF-style: chr17-61686073-T-C. GRCh37 (hg19) VCF-style: chr17-59763434-T-C.
Other names: short protein forms K890E.
Identifiers: ClinVar variation 821647 (VCV000821647.4), dbSNP rs1603276892, ClinGen allele CA400481818.

ClinVar aggregate classification (germline): Uncertain significance (1 of 4 stars; one submission).

Conditions:
Hereditary cancer-predisposing syndrome. Also called: Tumor predisposition; Hereditary Cancer Syndrome; Neoplastic Syndromes, Hereditary; Hereditary neoplastic syndrome. Identifiers: Orphanet 140162, MedGen C0027672, MeSH D009386, MONDO:0015356.

Submission:

Ambry Genetics
Classification: Uncertain significance for Hereditary cancer-predisposing syndrome. Last evaluated: 2018-01-26. Review status: criteria provided, single submitter. Criteria: Ambry Variant Classification Scheme 2023. Collection method: clinical testing. Allele origin: germline.
Comment: The p.K890E variant (also known as c.2668A>G), located in coding exon 18 of the BRIP1 gene, results from an A to G substitution at nucleotide position 2668. The lysine at codon 890 is replaced by glutamic acid, an amino acid with similar properties. This amino acid position is well conserved in available vertebrate species. In addition, this alteration is predicted to be tolerated by in silico analysis. Since supporting evidence is limited at this time, the clinical significance of this alteration remains unclear.